The following is an entry in ClinVar:

ClinVar aggregate classification (germline): Conflicting classifications of pathogenicity. Review status: criteria provided, conflicting classifications (1 of 4 stars). 3 submissions from 3 submitters: Uncertain significance (2); Benign (1). Last evaluated 2024-01-02.

Conditions:
Inborn genetic diseases. Identifiers: MedGen C0950123, MeSH D030342.
Bethlem myopathy 1A. Also called: Bethlem myopathy 1; MYOPATHY, BENIGN CONGENITAL, WITH CONTRACTURES; Bethlem Muscular Dystrophy. Identifiers: Orphanet 610, MedGen CN029274, MONDO:0024530, OMIM 158810.

Allele frequency attached by ClinVar (database versions not stated): gnomAD exomes 0.00001 and 0.00002; ExAC 0.00002; TOPMed 0.00002; gnomAD 0.00003 and 0.00004; ESP Exome Variant Server 0.00008.
gnomAD v4.1: 18 of 1,614,024 alleles (0.0011%); highest among the groups gnomAD compares: African/African-American, 0.008%; no homozygotes.

Submissions (3):

Labcorp Genetics (formerly Invitae), Labcorp
Classification: Benign for Bethlem myopathy 1A. Last evaluated: 2024-01-02. Review status: criteria provided, single submitter. Criteria: Invitae Variant Classification Sherloc (09022015). Collection method: clinical testing. Allele origin: germline.

Ambry Genetics
Classification: Uncertain significance for Inborn genetic diseases. Last evaluated: 2021-11-12. Review status: criteria provided, single submitter. Criteria: Ambry Variant Classification Scheme 2023. Collection method: clinical testing. Allele origin: germline.

GeneDx
Classification: Uncertain significance. Last evaluated: 2017-05-22. Review status: criteria provided, single submitter. Criteria: GeneDx Variant Classification (06012015). Collection method: clinical testing. Allele origin: germline. Affected: yes.
Comment: The E3149K variant has not been published as a pathogenic variant, nor has it been reported as a benign variant to our knowledge. The E3149K variant is observed in 2/10406 (0.02%) alleles from individuals of African background (Lek et al., 2016; 1000 Genomes Consortium et al., 2015; Exome Variant Server). This variant is a non-conservative amino acid substitution, which is likely to impact secondary protein structure as these residues differ in polarity, charge, size and/or other properties. However, this substitution occurs at a position that is not conserved, and missense variants in nearby residues have not been reported in the Human Gene Mutation Database in association with COL6A3-related disorders (Stenson et al., 2014). In silico analysis is inconsistent in its predictions as to whether or not the variant is damaging to the protein structure/function.

NM_004369.4(COL6A3):c.9445G>A (p.Glu3149Lys)

Genes: COL6A3 (collagen type VI alpha 3 chain; minus strand), LOC126806573 (CDK7 strongly-dependent group 2 enhancer GRCh37_chr2:238233151-238234350; plus strand). Cytogenetic location: 2q37.3.
Variant type: single nucleotide variant.
Coding change: c.9445G>A on transcript NM_004369.4 (MANE Select); coding-DNA position 9445, G replaced by A.
Protein change: p.Glu3149Lys; replaces glutamic acid 3149 with lysine.
Molecular consequence: missense variant.
Genome position (GRCh38, 1-based): chr2:237,325,608, C>T on the plus strand (G>A on the coding strand, the complement: COL6A3 is on the minus strand). VCF-style: chr2-237325608-C-T. GRCh37 (hg19) VCF-style: chr2-238234251-C-T.
Other names: c.7624G>A, p.Glu2542Lys (NM_057166.5); c.8827G>A, p.Glu2943Lys (NM_057167.4); short protein forms E3149K, E2943K, E2542K.
Identifiers: ClinVar variation 430200 (VCV000430200.12), dbSNP rs138694883, ClinGen allele CA2187271.